The following is an entry in ClinVar:

ClinVar aggregate classification (germline): Uncertain significance (1 of 4 stars; one submission).

Conditions:
Inborn genetic diseases. Identifiers: MedGen C0950123, MeSH D030342.

gnomAD v4.1: 1 of 1,614,078 alleles (0.000062%); highest among the groups gnomAD compares: African/African-American, 0.0013%; no homozygotes.

Submission:

Ambry Genetics
Classification: Uncertain significance for Inborn genetic diseases. Last evaluated: 2025-08-24. Review status: criteria provided, single submitter. Criteria: Ambry Variant Classification Scheme 2023. Collection method: clinical testing. Allele origin: germline.
Comment: The p.P41H variant (also known as c.122C>A), located in coding exon 1 of the FANCM gene, results from a C to A substitution at nucleotide position 122. The proline at codon 41 is replaced by histidine, an amino acid with similar properties. This amino acid position is conserved. In addition, this alteration is predicted to be tolerated by in silico analysis. Based on the available evidence, the clinical significance of this variant remains unclear.

NM_020937.4(FANCM):c.122C>A (p.Pro41His)

Gene: FANCM (FA complementation group M; plus strand). Cytogenetic location: 14q21.2.
Variant type: single nucleotide variant.
Coding change: c.122C>A on transcript NM_020937.4 (MANE Select); coding-DNA position 122, C replaced by A.
Protein change: p.Pro41His; replaces proline 41 with histidine.
Molecular consequence: missense variant.
Genome position (GRCh38, 1-based): chr14:45,136,153, C>A. VCF-style: chr14-45136153-C-A. GRCh37 (hg19) VCF-style: chr14-45605356-C-A.
Other names: c.122C>A, p.Pro41His (NM_001308133.2, NM_001308134.2); short protein forms P41H.
Identifiers: ClinVar variation 4254702 (VCV004254702.1).
Genomic context (GRCh38, chr14:45,136,153, plus strand): 5'-GGACTCCGGGTTGCAGCTCCGGAACTGAGCGACCTCAGAGCCCTGGCAGCTCCAAGGCGC[C>A]TTTGCCAGCAGCAGCGGAGGCTCAGCTGGAGTCGGACGATGATGTGTTGCTTGTCGCGGC-3'
Protein context (NP_065988.1, residues 31-51): RPQSPGSSKA[Pro41His]LPAAAEAQLE